The following is an entry in ClinVar:

NM_001458.5(FLNC):c.2065_2069del (p.Glu689fs)

Gene: FLNC (filamin C; plus strand). Cytogenetic location: 7q32.1.
Variant type: Deletion.
Coding change: c.2065_2069del on transcript NM_001458.5 (MANE Select); coding-DNA positions 2065 to 2069, 5 bases deleted (GAGTT; older notation c.2065_2069delGAGTT).
Protein change: p.Glu689fs; shifts the reading frame from glutamic acid 689.
Molecular consequence: frameshift variant.
Genome position (GRCh38, 1-based): chr7:128,841,511-128,841,515, GAGTT deleted; deleting any 5 consecutive bases within chr7:128,841,510-128,841,515 gives the same sequence; the c. name uses the placement nearest the transcript's 3' end. VCF-style (leftmost placement, unchanged base first): chr7-128841509-CTGAGT-C. GRCh37 (hg19) VCF-style: chr7-128481563-CTGAGT-C.
Other names: c.2065_2069del, p.Glu689fs (NM_001127487.2); short protein forms E689fs.
Identifiers: ClinVar variation 3759462 (VCV003759462.2).

ClinVar aggregate classification (germline): Pathogenic (1 of 4 stars; one submission).

Conditions:
Distal myopathy with posterior leg and anterior hand involvement. Also called: WILLIAMS DISTAL MYOPATHY. Identifiers: Orphanet 63273, MedGen C3279722, MONDO:0013550, OMIM 614065.
Hypertrophic cardiomyopathy 26. Also called: Cardiomyopathy, familial hypertrophic, 26. Identifiers: Orphanet 75249, MedGen C4310749, MONDO:0014883, OMIM 617047.
Myofibrillar myopathy 5. Also called: Filaminopathy (type); FILAMINOPATHY, AUTOSOMAL DOMINANT. Identifiers: Orphanet 171445, MedGen C1836050, MONDO:0012289, OMIM 609524.

Submission:

Labcorp Genetics (formerly Invitae), Labcorp
Classification: Pathogenic for Distal myopathy with posterior leg and anterior hand involvement; Myofibrillar myopathy 5; Hypertrophic cardiomyopathy 26. Last evaluated: 2024-10-15. Review status: criteria provided, single submitter. Criteria: Invitae Variant Classification Sherloc (09022015). Collection method: clinical testing. Allele origin: germline.
Comment: This sequence change creates a premature translational stop signal (p.Glu689Hisfs*3) in the FLNC gene. It is expected to result in an absent or disrupted protein product. Loss-of-function variants in FLNC are known to be pathogenic (PMID: 27908349). This variant is not present in population databases (gnomAD no frequency). This variant has not been reported in the literature in individuals affected with FLNC-related conditions. For these reasons, this variant has been classified as Pathogenic.

Literature cited by the submitters: PubMed 27908349.